The following is an entry in ClinVar:

NM_181426.2(CCDC39):c.1363-3del

Gene: CCDC39 (coiled-coil domain 39 molecular ruler complex subunit; minus strand). Cytogenetic location: 3q26.33.
Variant type: Deletion.
Coding change: c.1363-3del on transcript NM_181426.2 (MANE Select); 3 bases into the intron before coding-DNA position 1363, one base deleted (C; older notation c.1363-3delC).
Molecular consequence: intron variant.
Genome position (GRCh38, 1-based): chr3:180,647,246, G deleted on the plus strand (C on the coding strand, the reverse complement: CCDC39 is on the minus strand). VCF-style (leftmost placement, unchanged base first): chr3-180647245-TG-T. GRCh37 (hg19) VCF-style: chr3-180365033-TG-T.
Other names: p.?; c.1363-3delC (NM_181426.2); c.1363-3del (NM_181426.1).
Identifiers: ClinVar variation 242168 (VCV000242168.38), dbSNP rs551191744, ClinGen allele CA2715949.

ClinVar aggregate classification (germline): Conflicting classifications of pathogenicity. Review status: criteria provided, conflicting classifications (1 of 4 stars). 9 submissions from 9 submitters: Uncertain significance (2); Likely benign (6). 1 of the submissions does not count toward it. Last evaluated 2026-09-01.

Conditions:
CCDC39-related disorder. Also called: CCDC39-related condition.
Primary ciliary dyskinesia. Also called: Ciliary dyskinesia. Identifiers: Orphanet 244, MedGen C0008780, MONDO:0016575, HP:0012265.
Primary ciliary dyskinesia 14. Also called: CILIARY DYSKINESIA, PRIMARY, 14, WITH OR WITHOUT SITUS INVERSUS. Identifiers: Orphanet 244, MedGen C3151136, MONDO:0013434, OMIM 613807.

Allele frequency attached by ClinVar (database versions not stated): gnomAD exomes 0.00067 and 0.00124; ExAC 0.00109; 1000 Genomes Project 0.00180; gnomAD 0.00190 and 0.00199; 1000 Genomes Project 30x 0.00250; TOPMed 0.00253.

Submissions (9):

CeGaT Center for Human Genetics Tuebingen
Classification: Likely benign. Last evaluated: 2026-09-01. Review status: criteria provided, single submitter. Criteria: CeGaT Center For Human Genetics Tuebingen Variant Classification Criteria Version 2. Collection method: clinical testing. Allele origin: germline. Affected: yes. Observed: 4 variant alleles.
Comment: CCDC39: BP4, BS2

Labcorp Genetics (formerly Invitae), Labcorp
Classification: Likely benign for Primary ciliary dyskinesia. Last evaluated: 2026-02-03. Review status: criteria provided, single submitter. Criteria: Invitae Variant Classification Sherloc (09022015). Collection method: clinical testing. Allele origin: germline.

GeneDx
Classification: Uncertain significance. Last evaluated: 2025-12-31. Review status: criteria provided, single submitter. Criteria: GeneDx Variant Classification Process June 2021. Collection method: clinical testing. Allele origin: germline. Affected: yes.
Comment: Has been observed in patients with features of primary ciliary dyskinesia who harbored other likely benign or benign variants but no second potentially disease associated variants (PMID: 34768622, 22693285, 21131972); In silico analysis supports a deleterious effect on splicing; This variant is associated with the following publications: (PMID: 22693285, 34426522, 34768622, 21131972)

Mayo Clinic Laboratories, Mayo Clinic
Classification: Likely benign. Last evaluated: 2025-05-03. Review status: criteria provided, single submitter. Criteria: ACMG Guidelines, 2015. Collection method: clinical testing. Allele origin: germline. Observed: 2 variant alleles.
Comment: BS1, BP4, BP7

Blueprint Genetics
Classification: Likely benign. Last evaluated: 2024-10-16. Review status: criteria provided, single submitter. Criteria: ACMG Guidelines, 2015. Collection method: clinical testing. Allele origin: germline.

New York Genome Center
Classification: Uncertain significance for Primary ciliary dyskinesia 14. Last evaluated: 2021-03-04. Review status: criteria provided, single submitter. Criteria: NYGC Assertion Criteria 2020. Collection method: clinical testing. Allele origin: inherited. Observed: 1 heterozygote. Study: CSER-NYCKidSeq.

Ambry Genetics
Classification: Likely benign for Primary ciliary dyskinesia. Last evaluated: 2017-02-06. Review status: criteria provided, single submitter. Criteria: Ambry Variant Classification Scheme 2023. Collection method: clinical testing. Allele origin: germline.

Laboratory for Molecular Medicine, Mass General Brigham Personalized Medicine
Classification: Likely benign. Last evaluated: 2016-04-14. Review status: criteria provided, single submitter. Criteria: LMM Criteria. Collection method: clinical testing. Allele origin: germline. Observed: 2 variant alleles.
Comment: c.1363-3delC: This variant is not expected to have clinical significance because it has been identified in 0.35% (17/4804) of Latino chromosomes and 0.34% (22/6 500) of African chromosomes by the Exome Aggregation Consortium (ExAC; dbSNP rs551191744).

PreventionGenetics, part of Exact Sciences
Classification: Likely benign for CCDC39-related condition. Last evaluated: 2023-06-16. Review status: no assertion criteria provided. Collection method: clinical testing. Allele origin: germline. Not counted in ClinVar's aggregate classification.
Comment: This variant is classified as likely benign based on ACMG/AMP sequence variant interpretation guidelines (Richards et al. 2015 PMID: 25741868, with internal and published modifications).

Literature cited by the submitters: PubMed 21131972 (cited by 3 submitters); PubMed 34768622 (cited by Mayo Clinic Laboratories, Mayo Clinic).